The following is an entry in ClinVar:

NM_001170629.2(CHD8):c.5542del (p.His1848fs)

Gene: CHD8 (chromodomain helicase DNA binding protein 8; minus strand). Cytogenetic location: 14q11.2.
Variant type: Deletion.
Coding change: c.5542del on transcript NM_001170629.2 (MANE Select); coding-DNA position 5542, one base deleted (C; older notation c.5542delC).
Protein change: p.His1848fs; shifts the reading frame from histidine 1848.
Molecular consequence: frameshift variant.
Genome position (GRCh38, 1-based): chr14:21,394,334, G deleted on the plus strand (C on the coding strand, the reverse complement: CHD8 is on the minus strand); the first of 2 consecutive G bases (chr14:21,394,334-21,394,335); deleting either gives the same sequence. VCF-style (leftmost placement, unchanged base first): chr14-21394333-TG-T. GRCh37 (hg19) VCF-style: chr14-21862492-TG-T.
Other names: c.4705del, p.His1569fs (NM_020920.4); short protein forms H1569fs, H1848fs.
Identifiers: ClinVar variation 5041609 (VCV005041609.1).

ClinVar aggregate classification (germline): Pathogenic (1 of 4 stars; one submission).

Submission:

CeGaT Center for Human Genetics Tuebingen
Classification: Pathogenic. Last evaluated: 2026-09-01. Review status: criteria provided, single submitter. Criteria: CeGaT Center For Human Genetics Tuebingen Variant Classification Criteria Version 2. Collection method: clinical testing. Allele origin: germline. Affected: yes. Observed: 1 variant allele.
Comment: CHD8: PVS1, PM2, PS2:Moderate